The following is an entry in ClinVar:

NC_000023.11:g.101397716G>A

Genes: GLA (galactosidase alpha; minus strand), RPL36A-HNRNPH2 (RPL36A-HNRNPH2 readthrough; plus strand). Cytogenetic location: Xq22.1.
Variant type: single nucleotide variant.
Molecular consequence: intron variant (on NM_001199973.2).
Genome position: GRCh38 VCF-style: chrX-101397716-G-A. GRCh37 (hg19) VCF-style: chrX-100652704-G-A.
Other names: c.300+2259G>A (NM_001199973.2); c.177+5894G>A (NM_001199974.2).
Identifiers: ClinVar variation 4982319 (VCV004982319.1).

ClinVar aggregate classification (germline): Likely benign (1 of 4 stars; one submission).

Conditions:
GLA-related disorder. Also called: GLA-related condition.

Submission:

PreventionGenetics, part of Exact Sciences
Classification: Likely benign for GLA-related condition. Last evaluated: 2025-11-04. Review status: criteria provided, single submitter. Criteria: ACMG Guidelines, 2015. Collection method: clinical testing. Allele origin: germline.
Comment: This variant is classified as likely benign based on ACMG/AMP sequence variant interpretation guidelines (Richards et al. 2015 PMID: 25741868, with internal and published modifications).